The following is an entry in ClinVar:

ClinVar aggregate classification (germline): Uncertain significance (1 of 4 stars; one submission).

Submission:

Mayo Clinic Laboratories, Mayo Clinic
Classification: Uncertain significance. Last evaluated: 2024-12-10. Review status: criteria provided, single submitter. Criteria: ACMG Guidelines, 2015. Collection method: clinical testing. Allele origin: germline. Observed: 1 variant allele.
Comment: BP4, PM2_supporting

NM_001142864.4(PIEZO1):c.5803G>A (p.Ala1935Thr)

Gene: PIEZO1 (piezo type mechanosensitive ion channel component 1 (Er blood group); minus strand). Cytogenetic location: 16q24.3.
Variant type: single nucleotide variant.
Coding change: c.5803G>A on transcript NM_001142864.4 (MANE Select); coding-DNA position 5803, G replaced by A.
Protein change: p.Ala1935Thr; replaces alanine 1935 with threonine.
Molecular consequence: missense variant.
Genome position (GRCh38, 1-based): chr16:88,720,531, C>T on the plus strand (G>A on the coding strand, the complement: PIEZO1 is on the minus strand). VCF-style: chr16-88720531-C-T. GRCh37 (hg19) VCF-style: chr16-88786939-C-T.
Other names: p.Ala1935Thr; short protein forms A1935T.
Identifiers: ClinVar variation 4542087 (VCV004542087.1).